The following is an entry in ClinVar:

NM_001349206.2(LPIN1):c.1289C>T (p.Ala430Val)

Gene: LPIN1 (lipin 1; plus strand). Cytogenetic location: 2p25.1.
Variant type: single nucleotide variant.
Coding change: c.1289C>T on transcript NM_001349206.2 (MANE Select); coding-DNA position 1289, C replaced by T.
Protein change: p.Ala430Val; replaces alanine 430 with valine.
Molecular consequence: missense variant. On other transcripts: non-coding transcript variant (1).
Genome position (GRCh38, 1-based): chr2:11,783,853, C>T. VCF-style: chr2-11783853-C-T. GRCh37 (hg19) VCF-style: chr2-11923979-C-T.
Other names: c.1199C>T, p.Ala400Val (NM_001261427.3); c.1436C>T, p.Ala479Val (NM_001261428.3); c.1181C>T, p.Ala394Val (NM_001349199.2, NM_001349200.2, NM_001349201.2 and 1 more transcripts); c.1286C>T, p.Ala429Val (NM_001349202.2, NM_001349203.2); c.1289C>T, p.Ala430Val (NM_001349204.2, NM_001349205.2); c.1379C>T, p.Ala460Val (NM_001349207.2); c.1328C>T, p.Ala443Val (NM_001349208.2); c.1181C>T (NM_145693.1); short protein forms A394V, A443V, A460V, A430V, A400V, A429V, A479V.
Identifiers: ClinVar variation 2146939 (VCV002146939.3), dbSNP rs769327010, ClinGen allele CA1533662.

ClinVar aggregate classification (germline): Uncertain significance. Review status: criteria provided, multiple submitters, no conflicts (2 of 4 stars). 3 submissions from 3 submitters: Uncertain significance (3). Last evaluated 2024-09-30.

Conditions:
Inborn genetic diseases. Identifiers: MedGen C0950123, MeSH D030342.
Myoglobinuria, acute recurrent, autosomal recessive. Also called: MYOGLOBINURIA, FAMILIAL PAROXYSMAL PARALYTIC; RHABDOMYOLYSIS, ACUTE RECURRENT; Myoglobinuria, recurrent, autosomal recessive. Identifiers: Orphanet 99845, MedGen C1849386, MONDO:0009992, OMIM 268200.

Allele frequency attached by ClinVar (database versions not stated): ExAC 0.00001; gnomAD 0.00001; TOPMed 0.00001; gnomAD exomes 0.00003.

Submissions (3):

Ambry Genetics
Classification: Uncertain significance for Inborn genetic diseases. Last evaluated: 2024-09-30. Review status: criteria provided, single submitter. Criteria: Ambry Variant Classification Scheme 2023. Collection method: clinical testing. Allele origin: germline.

Fulgent Genetics
Classification: Uncertain significance for Myoglobinuria, acute recurrent, autosomal recessive. Last evaluated: 2024-05-07. Review status: criteria provided, single submitter. Criteria: ACMG Guidelines, 2015. Collection method: clinical testing. Allele origin: germline.

Labcorp Genetics (formerly Invitae), Labcorp
Classification: Uncertain significance. Last evaluated: 2022-06-01. Review status: criteria provided, single submitter. Criteria: Invitae Variant Classification Sherloc (09022015). Collection method: clinical testing. Allele origin: germline.
Comment: This sequence change replaces alanine, which is neutral and non-polar, with valine, which is neutral and non-polar, at codon 394 of the LPIN1 protein (p.Ala394Val). This variant is present in population databases (rs769327010, gnomAD 0.004%). This variant has not been reported in the literature in individuals affected with LPIN1-related conditions. Algorithms developed to predict the effect of missense changes on protein structure and function (SIFT, PolyPhen-2, Align-GVGD) all suggest that this variant is likely to be tolerated. In summary, the available evidence is currently insufficient to determine the role of this variant in disease. Therefore, it has been classified as a Variant of Uncertain Significance.